The following is an entry in ClinVar:

NM_000268.4(NF2):c.115-256A>C

Gene: NF2 (NF2, moesin-ezrin-radixin like (MERLIN) tumor suppressor; plus strand). Cytogenetic location: 22q12.2.
Variant type: single nucleotide variant.
Coding change: c.115-256A>C on transcript NM_000268.4 (MANE Select); 256 bases into the intron before coding-DNA position 115, A replaced by C.
Molecular consequence: intron variant.
Genome position (GRCh38, 1-based): chr22:29,636,495, A>C. VCF-style: chr22-29636495-A-C. GRCh37 (hg19) VCF-style: chr22-30032484-A-C.
Other names: c.115-256A>C (NM_016418.5, NM_181832.3, NM_181833.3 and 2 more transcripts); c.115-2595A>C (NM_181828.3); c.115-5707A>C (NM_181830.3, NM_181831.3).
Identifiers: ClinVar variation 668833 (VCV000668833.1), dbSNP rs2531848, ClinGen allele CA14950069.
Genomic context (GRCh38, chr22:29,636,495, plus strand): 5'-CTAGACTCTCCTAAATGAGGATGCTTATTTACCAGCTTTCCTAAATTAGCAGCTTTGGAG[A>C]TGTTAAAATCCGTAAGGAACTGTCCAAGGGATGTATTGTGTATGCTTTGCAGTGATTAAG-3'

ClinVar aggregate classification (germline): Benign (1 of 4 stars; one submission).

Allele frequency attached by ClinVar (database versions not stated): gnomAD 0.14159 and 0.14827; TOPMed 0.15356; 1000 Genomes Project 30x 0.20378; 1000 Genomes Project 0.21506.
gnomAD v4.1: 22,589 of 152,166 alleles (15%); highest among the groups gnomAD compares: East Asian, 57%; 2,381 homozygotes.

Submission:

GeneDx
Classification: Benign. Last evaluated: 2018-06-14. Review status: criteria provided, single submitter. Criteria: GeneDx Variant Classification (06012015). Collection method: clinical testing. Allele origin: germline. Affected: yes.
Comment: This variant is considered likely benign or benign based on one or more of the following criteria: it is a conservative change, it occurs at a poorly conserved position in the protein, it is predicted to be benign by multiple in silico algorithms, and/or has population frequency not consistent with disease.